The following is an entry in ClinVar:

NM_001365951.3(KIF1B):c.3327C>A (p.Asn1109Lys)

Gene: KIF1B (kinesin family member 1B; plus strand). Cytogenetic location: 1p36.22.
Variant type: single nucleotide variant.
Coding change: c.3327C>A on transcript NM_001365951.3 (MANE Select); coding-DNA position 3327, C replaced by A.
Protein change: p.Asn1109Lys; replaces asparagine 1109 with lysine.
Molecular consequence: missense variant.
Genome position (GRCh38, 1-based): chr1:10,337,438, C>A. VCF-style: chr1-10337438-C-A. GRCh37 (hg19) VCF-style: chr1-10397496-C-A.
Other names: c.3327C>A, p.Asn1109Lys (NM_001365952.1); c.3189C>A, p.Asn1063Lys (NM_015074.3); short protein forms N1109K, N1063K.
Identifiers: ClinVar variation 696018 (VCV000696018.14), dbSNP rs199805720, ClinGen allele CA581754.
Genomic context (GRCh38, chr1:10,337,438, plus strand): 5'-GTCAAGCACTTTGCTGGATGGTAAGATGGTAATGGAAGGGTTTTCTGAAGAGATTGGCAA[C>A]CACCTGAAACTGGGCAGTGCCTTCACTTTCCGAGTAACAGTGTTGCAGGCCAGTGGAATC-3'
Protein context (NP_001352880.1, residues 1099-1119): VMEGFSEEIG[Asn1109Lys]HLKLGSAFTF

ClinVar aggregate classification (germline): Likely benign. Review status: criteria provided, multiple submitters, no conflicts (2 of 4 stars). 4 submissions from 4 submitters: Likely benign (4). Last evaluated 2026-09-21.

Conditions:
Charcot-Marie-Tooth disease type 2. Also called: Charcot-Marie-Tooth type 2. Identifiers: Orphanet 64746, MedGen C0270914, MONDO:0018993.
KIF1B-related disorder. Also called: KIF1B-related condition.

Allele frequency attached by ClinVar (database versions not stated): ExAC 0.00005; TOPMed 0.00005; gnomAD exomes 0.00010.
gnomAD v4.1: 77 of 1,614,058 alleles (0.0048%); highest among the groups gnomAD compares: Non-Finnish European, 0.001%; no homozygotes.

Submissions (4):

PreventionGenetics, part of Exact Sciences
Classification: Likely benign for KIF1B-related condition. Last evaluated: 2026-09-21. Review status: criteria provided, single submitter. Criteria: ACMG Guidelines, 2015. Collection method: clinical testing. Allele origin: germline.
Comment: This variant is classified as likely benign based on ACMG/AMP sequence variant interpretation guidelines (Richards et al. 2015 PMID: 25741868, with internal and published modifications).

Labcorp Genetics (formerly Invitae), Labcorp
Classification: Likely benign for Charcot-Marie-Tooth disease type 2. Last evaluated: 2025-06-23. Review status: criteria provided, single submitter. Criteria: Invitae Variant Classification Sherloc (09022015). Collection method: clinical testing. Allele origin: germline.

Blueprint Genetics
Classification: Likely benign. Last evaluated: 2024-07-25. Review status: criteria provided, single submitter. Criteria: ACMG Guidelines, 2015. Collection method: clinical testing. Allele origin: germline.

Ambry Genetics
Classification: Likely benign. Last evaluated: 2020-07-06. Review status: criteria provided, single submitter. Criteria: Ambry Variant Classification Scheme 2023. Collection method: clinical testing. Allele origin: germline.